The following is an entry in ClinVar:

NM_001385125.1(OPN1SW):c.457G>T (p.Ala153Ser)

Gene: OPN1SW (opsin 1, short wave sensitive; minus strand). Cytogenetic location: 7q32.1.
Variant type: single nucleotide variant.
Coding change: c.457G>T on transcript NM_001385125.1 (MANE Select); coding-DNA position 457, G replaced by T.
Protein change: p.Ala153Ser; replaces alanine 153 with serine.
Molecular consequence: missense variant.
Genome position (GRCh38, 1-based): chr7:128,775,041, C>A on the plus strand (G>T on the coding strand, the complement: OPN1SW is on the minus strand). VCF-style: chr7-128775041-C-A. GRCh37 (hg19) VCF-style: chr7-128415095-C-A.
Other names: short protein forms A153S.
Identifiers: ClinVar variation 4743545 (VCV004743545.1).

ClinVar aggregate classification (germline): Uncertain significance (1 of 4 stars; one submission).

Submission:

Labcorp Genetics (formerly Invitae), Labcorp
Classification: Uncertain significance. Last evaluated: 2025-10-04. Review status: criteria provided, single submitter. Criteria: Invitae Variant Classification Sherloc (09022015). Collection method: clinical testing. Allele origin: germline.
Comment: This sequence change replaces alanine, which is neutral and non-polar, with serine, which is neutral and polar, at codon 156 of the OPN1SW protein (p.Ala156Ser). This variant is not present in population databases (gnomAD no frequency). This variant has not been reported in the literature in individuals affected with OPN1SW-related conditions. An algorithm developed to predict the effect of missense changes on protein structure and function (PolyPhen-2) suggests that this variant is likely to be tolerated. In summary, the available evidence is currently insufficient to determine the role of this variant in disease. Therefore, it has been classified as a Variant of Uncertain Significance.